The following is an entry in ClinVar:

ClinVar aggregate classification (germline): Likely pathogenic (1 of 4 stars; one submission).

Conditions:
Usher syndrome type 2A. Also called: RETINAL DISEASE IN USHER SYNDROME TYPE IIA, MODIFIER OF; USHER SYNDROME, TYPE IIA. Identifiers: Orphanet 231178, Orphanet 886, MedGen C1848634, MONDO:0010169, OMIM 276901.

Submission:

Natera, Inc.
Classification: Likely pathogenic for Usher syndrome type 2A. Last evaluated: 2025-12-01. Review status: criteria provided, single submitter. Criteria: Natera Variant Classification Schema (03/2026). Collection method: clinical testing. Allele origin: germline.
Comment: The c.7440del variant in USH2A is a frameshift variant predicted to shift the reading frame beginning at codon 2480 and leads to a stop codon 4 codons downstream. This variant is expected to result in nonsense mediated decay, truncation, or a dysfunctional protein product. This variant is rare in the general population with a frequency below the threshold expected for the associated phenotype(s). Given the available evidence, this variant is classified as Likely Pathogenic.

NM_206933.4(USH2A):c.7440del (p.His2480fs)

Gene: USH2A (usherin; minus strand). Cytogenetic location: 1q41.
Variant type: Deletion.
Coding change: c.7440del on transcript NM_206933.4 (MANE Select); coding-DNA position 7440, one base deleted (T; older notation c.7440delT).
Protein change: p.His2480fs; shifts the reading frame from histidine 2480.
Molecular consequence: frameshift variant.
Genome position (GRCh38, 1-based): chr1:215,900,766, A deleted on the plus strand (T on the coding strand, the reverse complement: USH2A is on the minus strand). VCF-style (leftmost placement, unchanged base first): chr1-215900765-CA-C. GRCh37 (hg19) VCF-style: chr1-216074107-CA-C.
Other names: short protein forms H2480fs.
Identifiers: ClinVar variation 4817151 (VCV004817151.1).